The following is an entry in ClinVar:

ClinVar aggregate classification (germline): Uncertain significance (1 of 4 stars; one submission).

Conditions:
Neurofibromatosis, type 1 (NF1). Also called: VON RECKLINGHAUSEN DISEASE; NEUROFIBROMATOSIS, TYPE I, SOMATIC; Peripheral type neurofibromatosis; Neurofibromatosis, type I. Identifiers: Orphanet 636, MedGen C0027831, MONDO:0018975, OMIM 162200. Disease mechanism: loss of function.

Allele frequency attached by ClinVar (database versions not stated): TOPMed below 0.00001.

Submission:

Labcorp Genetics (formerly Invitae), Labcorp
Classification: Uncertain significance for Neurofibromatosis, type 1. Last evaluated: 2019-11-15. Review status: criteria provided, single submitter. Criteria: Invitae Variant Classification Sherloc (09022015). Collection method: clinical testing. Allele origin: germline.
Comment: Algorithms developed to predict the effect of missense changes on protein structure and function (SIFT, PolyPhen-2, Align-GVGD) all suggest that this variant is likely to be tolerated, but these predictions have not been confirmed by published functional studies and their clinical significance is uncertain. This sequence change replaces serine with alanine at codon 657 of the NF1 protein (p.Ser657Ala). The serine residue is weakly conserved and there is a moderate physicochemical difference between serine and alanine. This variant is not present in population databases (ExAC no frequency). This variant has not been reported in the literature in individuals with NF1-related conditions. In summary, the available evidence is currently insufficient to determine the role of this variant in disease. Therefore, it has been classified as a Variant of Uncertain Significance.

NM_001042492.3(NF1):c.1969T>G (p.Ser657Ala)

Gene: NF1 (neurofibromin 1; plus strand). Cytogenetic location: 17q11.2.
Variant type: single nucleotide variant.
Coding change: c.1969T>G on transcript NM_001042492.3 (MANE Select); coding-DNA position 1969, T replaced by G.
Protein change: p.Ser657Ala; replaces serine 657 with alanine.
Molecular consequence: missense variant.
Genome position (GRCh38, 1-based): chr17:31,225,218, T>G. VCF-style: chr17-31225218-T-G. GRCh37 (hg19) VCF-style: chr17-29552236-T-G.
Other names: c.1969T>G, p.Ser657Ala (NM_000267.4); short protein forms S657A.
Identifiers: ClinVar variation 972593 (VCV000972593.7), dbSNP rs1471484159, ClinGen allele CA399005541.